The following is an entry in ClinVar:

ClinVar aggregate classification (germline): Likely benign (1 of 4 stars; one submission).

Allele frequency attached by ClinVar (database versions not stated): 1000 Genomes Project 30x 0.00062; 1000 Genomes Project 0.00080; gnomAD 0.00134 and 0.00139; TOPMed 0.00142; gnomAD exomes 0.00213.
gnomAD v4.1: 389 of 231,816 alleles (0.17%); highest among the groups gnomAD compares: South Asian, 0.31%; 2 homozygotes.

Submission:

CeGaT Center for Human Genetics Tuebingen
Classification: Likely benign. Last evaluated: 2026-04-01. Review status: criteria provided, single submitter. Criteria: CeGaT Center For Human Genetics Tuebingen Variant Classification Criteria Version 2. Collection method: clinical testing. Allele origin: germline. Affected: yes. Observed: 7 variant alleles.
Comment: FGFR1: BS1

NM_023110.3(FGFR1):c.-89+2528C>T

Gene: FGFR1 (fibroblast growth factor receptor 1; minus strand). Cytogenetic location: 8p11.23.
Variant type: single nucleotide variant.
Coding change: c.-89+2528C>T on transcript NM_023110.3 (MANE Select); 2528 bases into the intron after 89 bases upstream of the start codon, C replaced by T.
Molecular consequence: intron variant.
Genome position (GRCh38, 1-based): chr8:38,465,453, G>A on the plus strand (C>T on the coding strand, the complement: FGFR1 is on the minus strand). VCF-style: chr8-38465453-G-A. GRCh37 (hg19) VCF-style: chr8-38322971-G-A.
Other names: c.-89+2528C>T (NM_001354368.2, NM_001354370.2, NM_023106.3 and 4 more transcripts); c.-181+2528C>T (NM_001174064.2); c.-89+2219C>T (NM_001174066.2, NM_001354369.2, NM_001174065.2); c.-150+2219C>T (NM_001174067.2).
Identifiers: ClinVar variation 1676102 (VCV001676102.33), dbSNP rs535589295, ClinGen allele CA175775414.
Genomic context (GRCh38, chr8:38,465,453, plus strand): 5'-CTCATTAAAAAGCTGACACTCAGCTATGACTAAGAGTAAATGCAACAGATATTTCAAGCA[G>A]CTCGTCACTGATGCAGTTCATAACCCTCCCAGCTGGAGTCAGGCCCCAGCAGCCTCCCGG-3'